The following is an entry in ClinVar:

NM_000069.3(CACNA1S):c.4114-10_4114-8del

Gene: CACNA1S (calcium voltage-gated channel subunit alpha1 S; minus strand). Cytogenetic location: 1q32.1.
Variant type: Microsatellite.
Coding change: c.4114-10_4114-8del on transcript NM_000069.3 (MANE Select); 10 bases into the intron before coding-DNA position 4114 through 8 bases into the intron before coding-DNA position 4114, 3 bases deleted (TCT; older notation c.4114-10_4114-8delTCT).
Molecular consequence: intron variant.
Genome position (GRCh38, 1-based): chr1:201,050,524-201,050,526, AGA deleted on the plus strand (TCT on the coding strand, the reverse complement: CACNA1S is on the minus strand); deleting any 3 consecutive bases within chr1:201,050,524-201,050,530 gives the same sequence; the c. name uses the placement nearest the transcript's 3' end. VCF-style (leftmost placement, unchanged base first): chr1-201050523-GAGA-G. GRCh37 (hg19) VCF-style: chr1-201019651-GAGA-G.
Identifiers: ClinVar variation 3072437 (VCV003072437.1), dbSNP rs2464444540, ClinGen allele CA2573985635.

ClinVar aggregate classification (germline): Likely benign (1 of 4 stars; one submission).

Conditions:
Malignant hyperthermia, susceptibility to, 5 (MHS5). Also called: CACNA1S-Related Malignant Hyperthermia Susceptibility. Identifiers: Orphanet 423, MedGen C1866077, MONDO:0011163, OMIM 601887.

Submission:

All of Us Research Program, National Institutes of Health
Classification: Likely benign for Malignant hyperthermia, susceptibility to, 5. Last evaluated: 2023-07-10. Review status: criteria provided, single submitter. Criteria: ACMG Guidelines, 2015. Collection method: clinical testing. Allele origin: germline. Inheritance: Autosomal dominant inheritance. Observed: 1 variant allele, 1 heterozygote.
Comment: This study involves interpretation of variants in research participants for the purpose of population health screening. Participant phenotype was not available at the time of variant classification. Additional details can be found in publication PMID: 35346344, PMCID: PMC8962531